The following is an entry in ClinVar:

ClinVar aggregate classification (germline): Uncertain significance. Review status: criteria provided, multiple submitters, no conflicts (2 of 4 stars). 2 submissions from 2 submitters: Uncertain significance (2). Last evaluated 2025-10-25.

Conditions:
Inborn genetic diseases. Identifiers: MedGen C0950123, MeSH D030342.
Baller-Gerold syndrome (BGS). Also called: CRANIOSYNOSTOSIS WITH RADIAL DEFECTS. Identifiers: Orphanet 1225, MedGen C0265308, MONDO:0009039, OMIM 218600.

Allele frequency attached by ClinVar (database versions not stated): ExAC 0.00001; gnomAD exomes 0.00001; TOPMed 0.00001.
gnomAD v4.1: 13 of 1,611,494 alleles (0.00081%); highest among the groups gnomAD compares: South Asian, 0.0033%; no homozygotes.

Submissions (2):

Labcorp Genetics (formerly Invitae), Labcorp
Classification: Uncertain significance for Baller-Gerold syndrome. Last evaluated: 2025-10-25. Review status: criteria provided, single submitter. Criteria: Invitae Variant Classification Sherloc (09022015). Collection method: clinical testing. Allele origin: germline.
Comment: This sequence change replaces methionine, which is neutral and non-polar, with valine, which is neutral and non-polar, at codon 537 of the RECQL4 protein (p.Met537Val). This variant is present in population databases (rs748083596, gnomAD 0.003%). This variant has not been reported in the literature in individuals affected with RECQL4-related conditions. ClinVar contains an entry for this variant (Variation ID: 566785). Invitae Evidence Modeling of protein sequence and biophysical properties (such as structural, functional, and spatial information, amino acid conservation, physicochemical variation, residue mobility, and thermodynamic stability) indicates that this missense variant is expected to disrupt RECQL4 protein function with a positive predictive value of 80%. In summary, the available evidence is currently insufficient to determine the role of this variant in disease. Therefore, it has been classified as a Variant of Uncertain Significance.

Ambry Genetics
Classification: Uncertain significance for Inborn genetic diseases. Last evaluated: 2024-12-30. Review status: criteria provided, single submitter. Criteria: Ambry Variant Classification Scheme 2023. Collection method: clinical testing. Allele origin: germline.
Comment: The p.M537V variant (also known as c.1609A>G), located in coding exon 9 of the RECQL4 gene, results from an A to G substitution at nucleotide position 1609. The methionine at codon 537 is replaced by valine, an amino acid with highly similar properties. This amino acid position is conserved. In addition, the in silico prediction for this alteration is inconclusive. Based on the available evidence, the clinical significance of this variant remains unclear.

NM_004260.4(RECQL4):c.1609A>G (p.Met537Val)

Gene: RECQL4 (RecQ like helicase 4; minus strand). Cytogenetic location: 8q24.3.
Variant type: single nucleotide variant.
Coding change: c.1609A>G on transcript NM_004260.4 (MANE Select); coding-DNA position 1609, A replaced by G.
Protein change: p.Met537Val; replaces methionine 537 with valine.
Molecular consequence: missense variant.
Genome position (GRCh38, 1-based): chr8:144,514,947, T>C on the plus strand (A>G on the coding strand, the complement: RECQL4 is on the minus strand). VCF-style: chr8-144514947-T-C. GRCh37 (hg19) VCF-style: chr8-145740331-T-C.
Other names: short protein forms M537V.
Identifiers: ClinVar variation 566785 (VCV000566785.8), dbSNP rs748083596, ClinGen allele CA4948783.